The following is an entry in ClinVar:

ClinVar aggregate classification (germline): Uncertain significance. Review status: criteria provided, multiple submitters, no conflicts (2 of 4 stars). 2 submissions from 2 submitters: Uncertain significance (2). Last evaluated 2022-04-10.

Conditions:
Inborn genetic diseases. Identifiers: MedGen C0950123, MeSH D030342.
Dextro-looped transposition of the great arteries. Also called: Dextrotransposition of the great arteries. Identifiers: Orphanet 860, MedGen C3531771, MONDO:0019443, OMIM 608808, HP:0031348.

Allele frequency attached by ClinVar (database versions not stated): gnomAD 0.00001; TOPMed below 0.00001.
gnomAD v4.1: 5 of 1,613,948 alleles (0.00031%); highest among the groups gnomAD compares: East Asian, 0.0022%; no homozygotes.

Submissions (2):

Labcorp Genetics (formerly Invitae), Labcorp
Classification: Uncertain significance for Dextro-looped transposition of the great arteries. Last evaluated: 2022-04-10. Review status: criteria provided, single submitter. Criteria: Invitae Variant Classification Sherloc (09022015). Collection method: clinical testing. Allele origin: germline.
Comment: In summary, the available evidence is currently insufficient to determine the role of this variant in disease. Therefore, it has been classified as a Variant of Uncertain Significance. Advanced modeling of protein sequence and biophysical properties (such as structural, functional, and spatial information, amino acid conservation, physicochemical variation, residue mobility, and thermodynamic stability) performed at Invitae indicates that this missense variant is expected to disrupt MED13L protein function. This variant has not been reported in the literature in individuals affected with MED13L-related conditions. This variant is present in population databases (no rsID available, gnomAD 0.006%). This sequence change replaces arginine, which is basic and polar, with glutamine, which is neutral and polar, at codon 973 of the MED13L protein (p.Arg973Gln).

Ambry Genetics
Classification: Uncertain significance for Inborn genetic diseases. Last evaluated: 2021-07-20. Review status: criteria provided, single submitter. Criteria: Ambry Variant Classification Scheme 2023. Collection method: clinical testing. Allele origin: germline.

NM_015335.5(MED13L):c.2918G>A (p.Arg973Gln)

Gene: MED13L (mediator complex subunit 13L; minus strand). Cytogenetic location: 12q24.21.
Variant type: single nucleotide variant.
Coding change: c.2918G>A on transcript NM_015335.5 (MANE Select); coding-DNA position 2918, G replaced by A.
Protein change: p.Arg973Gln; replaces arginine 973 with glutamine.
Molecular consequence: missense variant.
Genome position (GRCh38, 1-based): chr12:115,996,554, C>T on the plus strand (G>A on the coding strand, the complement: MED13L is on the minus strand). VCF-style: chr12-115996554-C-T. GRCh37 (hg19) VCF-style: chr12-116434359-C-T.
Other names: short protein forms R973Q.
Identifiers: ClinVar variation 2064410 (VCV002064410.5), dbSNP rs1280691679, ClinGen allele CA386889682.